The following is an entry in ClinVar:

ClinVar aggregate classification (germline): Uncertain significance (1 of 4 stars; one submission).

Conditions:
Arrhythmogenic right ventricular dysplasia 10. Also called: Arrhythmogenic Right Ventricular Dysplasia/Cardiomyopathy10; Arrhythmogenic right ventricular dysplasia/cardiomyopathy, type 10; ARRHYTHMOGENIC RIGHT VENTRICULAR DYSPLASIA, FAMILIAL, 10. Identifiers: MedGen C1857777, MONDO:0012434, OMIM 610193.

Submission:

Labcorp Genetics (formerly Invitae), Labcorp
Classification: Uncertain significance for Arrhythmogenic right ventricular dysplasia 10. Last evaluated: 2025-01-06. Review status: criteria provided, single submitter. Criteria: Invitae Variant Classification Sherloc (09022015). Collection method: clinical testing. Allele origin: germline.
Comment: This sequence change creates a premature translational stop signal (p.Gln1062Argfs*8) in the DSG2 gene. While this is not anticipated to result in nonsense mediated decay, it is expected to disrupt the last 57 amino acid(s) of the DSG2 protein. This variant is not present in population databases (gnomAD no frequency). This variant has not been reported in the literature in individuals affected with DSG2-related conditions. ClinVar contains an entry for this variant (Variation ID: 1470030). In summary, the available evidence is currently insufficient to determine the role of this variant in disease. Therefore, it has been classified as a Variant of Uncertain Significance.

NM_001943.5(DSG2):c.3185del (p.Gln1062fs)

Genes: DSG2 (desmoglein 2; plus strand), DSG2-AS1 (DSG2 antisense RNA 1; minus strand). Cytogenetic location: 18q12.1.
Variant type: Deletion.
Coding change: c.3185del on transcript NM_001943.5 (MANE Select); coding-DNA position 3185, one base deleted (A; older notation c.3185delA).
Protein change: p.Gln1062fs; shifts the reading frame from glutamine 1062.
Molecular consequence: frameshift variant.
Genome position (GRCh38, 1-based): chr18:31,546,571, A deleted. VCF-style (leftmost placement, unchanged base first): chr18-31546570-CA-C. GRCh37 (hg19) VCF-style: chr18-29126533-CA-C.
Other names: short protein forms Q1062fs.
Identifiers: ClinVar variation 1470030 (VCV001470030.6), dbSNP rs2144361650, ClinGen allele CA2573155325.
Genomic context (GRCh38, chr18:31,546,570, plus strand): 5'-CAGAATGTGACAGTGACAGAAAGAGTTCTAGCACCTGCTTCCACTCTGCAATCCAGTTAC[CA>C]GATTCCCACTGAAAATTCTATGACGGCTAGGAACACCACGGTGTCTGGAGCTGGAGTCCC-3'